The following is an entry in ClinVar:

ClinVar aggregate classification (germline): Conflicting classifications of pathogenicity. Review status: criteria provided, conflicting classifications (1 of 4 stars). 6 submissions from 6 submitters: Uncertain significance (5); Likely benign (1). Last evaluated 2025-09-20.

Conditions:
Ullrich congenital muscular dystrophy 1A. Also called: Intermediate COL6-RD; Ullrich congenital muscular dystrophy 1. Identifiers: Orphanet 75840, MedGen C0410179, MONDO:0009681, OMIM 254090.
Bethlem myopathy 1A. Also called: Bethlem Muscular Dystrophy; MYOPATHY, BENIGN CONGENITAL, WITH CONTRACTURES; Bethlem myopathy 1. Identifiers: Orphanet 610, MedGen CN029274, MONDO:0024530, OMIM 158810.
Inborn genetic diseases. Identifiers: MedGen C0950123, MeSH D030342.

Allele frequency attached by ClinVar (database versions not stated): gnomAD exomes 0.00002 and 0.00005; ExAC 0.00003; ESP Exome Variant Server 0.00008; TOPMed 0.00008; gnomAD 0.00009 and 0.00010; 1000 Genomes Project 30x 0.00016.

Submissions (6):

Labcorp Genetics (formerly Invitae), Labcorp
Classification: Likely benign for Bethlem myopathy 1A. Last evaluated: 2025-09-20. Review status: criteria provided, single submitter. Criteria: Invitae Variant Classification Sherloc (09022015). Collection method: clinical testing. Allele origin: germline.

Ambry Genetics
Classification: Uncertain significance for Inborn genetic diseases. Last evaluated: 2025-04-24. Review status: criteria provided, single submitter. Criteria: Ambry Variant Classification Scheme 2023. Collection method: clinical testing. Allele origin: germline.

Fulgent Genetics
Classification: Uncertain significance for Bethlem myopathy 1A; Ullrich congenital muscular dystrophy 1A. Last evaluated: 2024-02-22. Review status: criteria provided, single submitter. Criteria: ACMG Guidelines, 2015. Collection method: clinical testing. Allele origin: germline.

GeneDx
Classification: Uncertain significance. Last evaluated: 2023-04-28. Review status: criteria provided, single submitter. Criteria: GeneDx Variant Classification Process June 2021. Collection method: clinical testing. Allele origin: germline. Affected: yes.
Comment: In silico analysis supports that this missense variant does not alter protein structure/function; Has not been previously published as pathogenic or benign to our knowledge

Revvity Omics, Revvity
Classification: Uncertain significance. Last evaluated: 2021-05-06. Review status: criteria provided, single submitter. Criteria: ACMG Guidelines, 2015. Collection method: clinical testing. Allele origin: germline.

Eurofins Ntd Llc (ga)
Classification: Uncertain significance. Last evaluated: 2018-09-14. Review status: criteria provided, single submitter. Criteria: EGL ClinVar v180209 classification definitions. Collection method: clinical testing. Allele origin: germline. Observed: 6 variant alleles, 6 heterozygotes.

NM_001848.3(COL6A1):c.2611G>A (p.Val871Met)

Gene: COL6A1 (collagen type VI alpha 1 chain; plus strand). Cytogenetic location: 21q22.3.
Variant type: single nucleotide variant.
Coding change: c.2611G>A on transcript NM_001848.3 (MANE Select); coding-DNA position 2611, G replaced by A.
Protein change: p.Val871Met; replaces valine 871 with methionine.
Molecular consequence: missense variant.
Genome position (GRCh38, 1-based): chr21:46,003,537, G>A. VCF-style: chr21-46003537-G-A. GRCh37 (hg19) VCF-style: chr21-47423451-G-A.
Other names: short protein forms V871M.
Identifiers: ClinVar variation 287792 (VCV000287792.20), dbSNP rs374685631, ClinGen allele CA10070980.